The following is an entry in ClinVar:

NM_001457.4(FLNB):c.2745+2T>C

Gene: FLNB (filamin B; plus strand). Cytogenetic location: 3p14.3.
Variant type: single nucleotide variant.
Coding change: c.2745+2T>C on transcript NM_001457.4 (MANE Select); the canonical splice donor site of the intron after coding-DNA position 2745, T replaced by C.
Molecular consequence: splice donor variant.
Genome position (GRCh38, 1-based): chr3:58,112,320, T>C. VCF-style: chr3-58112320-T-C. GRCh37 (hg19) VCF-style: chr3-58098047-T-C.
Other names: c.2745+2T>C (NM_001164317.2, NM_001164318.2, NM_001164319.2).
Identifiers: ClinVar variation 1476604 (VCV001476604.6), dbSNP rs2107130847, ClinGen allele CA353346130.

ClinVar aggregate classification (germline): Likely pathogenic (1 of 4 stars; one submission).

Submission:

Labcorp Genetics (formerly Invitae), Labcorp
Classification: Likely pathogenic. Last evaluated: 2022-07-12. Review status: criteria provided, single submitter. Criteria: Invitae Variant Classification Sherloc (09022015). Collection method: clinical testing. Allele origin: germline.
Comment: Algorithms developed to predict the effect of sequence changes on RNA splicing suggest that this variant may disrupt the consensus splice site. In summary, the currently available evidence indicates that the variant is pathogenic, but additional data are needed to prove that conclusively. Therefore, this variant has been classified as Likely Pathogenic. ClinVar contains an entry for this variant (Variation ID: 1476604). This variant has not been reported in the literature in individuals affected with FLNB-related conditions. This variant is not present in population databases (gnomAD no frequency). This sequence change affects a donor splice site in intron 18 of the FLNB gene. It is expected to disrupt RNA splicing. Variants that disrupt the donor or acceptor splice site typically lead to a loss of protein function (PMID: 16199547), and loss-of-function variants in FLNB are known to be pathogenic (PMID: 14991055).

Literature cited by the submitters: PubMed 16199547; PubMed 14991055.